The following is an entry in ClinVar:

ClinVar aggregate classification (germline): Uncertain significance (1 of 4 stars; one submission).

Submission:

Labcorp Genetics (formerly Invitae), Labcorp
Classification: Uncertain significance. Last evaluated: 2022-10-13. Review status: criteria provided, single submitter. Criteria: Invitae Variant Classification Sherloc (09022015). Collection method: clinical testing. Allele origin: germline.
Comment: In summary, the available evidence is currently insufficient to determine the role of this variant in disease. Therefore, it has been classified as a Variant of Uncertain Significance. Algorithms developed to predict the effect of missense changes on protein structure and function output the following: SIFT: "Tolerated"; PolyPhen-2: "Benign"; Align-GVGD: "Class C0". The glutamine amino acid residue is found in multiple mammalian species, which suggests that this missense change does not adversely affect protein function. ClinVar contains an entry for this variant (Variation ID: 1391259). This variant has not been reported in the literature in individuals affected with PDE6A-related conditions. This variant is not present in population databases (gnomAD no frequency). This sequence change replaces histidine, which is basic and polar, with glutamine, which is neutral and polar, at codon 27 of the PDE6A protein (p.His27Gln).

NM_000440.3(PDE6A):c.81C>A (p.His27Gln)

Gene: PDE6A (phosphodiesterase 6A; minus strand). Cytogenetic location: 5q32.
Variant type: single nucleotide variant.
Coding change: c.81C>A on transcript NM_000440.3 (MANE Select); coding-DNA position 81, C replaced by A.
Protein change: p.His27Gln; replaces histidine 27 with glutamine.
Molecular consequence: missense variant.
Genome position (GRCh38, 1-based): chr5:149,944,593, G>T on the plus strand (C>A on the coding strand, the complement: PDE6A is on the minus strand). VCF-style: chr5-149944593-G-T. GRCh37 (hg19) VCF-style: chr5-149324156-G-T.
Other names: short protein forms H27Q.
Identifiers: ClinVar variation 1391259 (VCV001391259.8), dbSNP rs1212652682, ClinGen allele CA361701421.